The following is an entry in ClinVar:

NC_000003.11:g.(?_12641170)_(12660220_?)dup

Gene: RAF1 (Raf-1 proto-oncogene, serine/threonine kinase; minus strand). Cytogenetic location: 3p25.2.
Variant type: Duplication.
Identifiers: ClinVar variation 1387590 (VCV001387590.5).

ClinVar aggregate classification (germline): Uncertain significance (1 of 4 stars; one submission).

Conditions:
RASopathy. Also called: rasopathies; Noonan spectrum disorder. Identifiers: Orphanet 536391, MedGen C5555857, MONDO:0021060.

Submission:

Labcorp Genetics (formerly Invitae), Labcorp
Classification: Uncertain significance for RASopathy. Last evaluated: 2023-02-17. Review status: criteria provided, single submitter. Criteria: Invitae Variant Classification Sherloc (09022015). Collection method: clinical testing. Allele origin: germline.
Comment: This variant results in a copy number gain of the genomic region encompassing exon(s) 2-10 of the RAF1 gene. This region includes the initiator codon of the gene. This copy number gain extends beyond the assayed region for this gene and therefore may encompass additional genes. As the precise location of this event is unknown, it may be in tandem or it may be located elsewhere in the genome. This variant has not been reported in the literature in individuals affected with RAF1-related conditions. In summary, the available evidence is currently insufficient to determine the role of this variant in disease. Therefore, it has been classified as a Variant of Uncertain Significance.